The following is an entry in ClinVar:

NM_001080449.3(DNA2):c.1057+9G>A

Gene: DNA2 (DNA replication helicase/nuclease 2; minus strand). Cytogenetic location: 10q21.3.
Variant type: single nucleotide variant.
Coding change: c.1057+9G>A on transcript NM_001080449.3 (MANE Select); 9 bases into the intron after coding-DNA position 1057, G replaced by A.
Molecular consequence: intron variant.
Genome position (GRCh38, 1-based): chr10:68,446,287, C>T on the plus strand (G>A on the coding strand, the complement: DNA2 is on the minus strand). VCF-style: chr10-68446287-C-T. GRCh37 (hg19) VCF-style: chr10-70206044-C-T.
Other names: c.1057+9G>A (NM_001080449.2).
Identifiers: ClinVar variation 2193749 (VCV002193749.6), dbSNP rs757243525, ClinGen allele CA5525156.

ClinVar aggregate classification (germline): Likely benign. Review status: criteria provided, single submitter (1 of 4 stars). 2 submissions from 2 submitters: Likely benign (1). 1 of the submissions does not count toward it. Last evaluated 2025-10-24.

Conditions:
DNA2-related disorder. Also called: DNA2-related condition.

Allele frequency attached by ClinVar (database versions not stated): 1000 Genomes Project 30x 0.00031.

Submissions (2):

Labcorp Genetics (formerly Invitae), Labcorp
Classification: Likely benign. Last evaluated: 2025-10-24. Review status: criteria provided, single submitter. Criteria: Invitae Variant Classification Sherloc (09022015). Collection method: clinical testing. Allele origin: germline.

PreventionGenetics, part of Exact Sciences
Classification: Likely benign for DNA2-related condition. Last evaluated: 2019-07-02. Review status: no assertion criteria provided. Collection method: clinical testing. Allele origin: germline. Not counted in ClinVar's aggregate classification.
Comment: This variant is classified as likely benign based on ACMG/AMP sequence variant interpretation guidelines (Richards et al. 2015 PMID: 25741868, with internal and published modifications).